The following is an entry in ClinVar:

NM_005592.4(MUSK):c.2352T>A (p.Asp784Glu)

Gene: MUSK (muscle associated receptor tyrosine kinase; plus strand). Cytogenetic location: 9q31.3.
Variant type: single nucleotide variant.
Coding change: c.2352T>A on transcript NM_005592.4 (MANE Select); coding-DNA position 2352, T replaced by A.
Protein change: p.Asp784Glu; replaces aspartic acid 784 with glutamic acid.
Molecular consequence: missense variant.
Genome position (GRCh38, 1-based): chr9:110,800,730, T>A. VCF-style: chr9-110800730-T-A. GRCh37 (hg19) VCF-style: chr9-113563010-T-A.
Other names: c.2094T>A, p.Asp698Glu (NM_001166280.2); c.2064T>A, p.Asp688Glu (NM_001166281.2); c.1092T>A, p.Asp364Glu (NM_001369398.1); short protein forms D688E, D698E, D784E, D364E.
Identifiers: ClinVar variation 1912047 (VCV001912047.5), dbSNP rs1349236863, ClinGen allele CA374479414.

ClinVar aggregate classification (germline): Uncertain significance (1 of 4 stars; one submission).

Conditions:
Fetal akinesia deformation sequence 1 (FADS1). Also called: Pena-Shokeir syndrome type I; Fetal akinesia sequence. Identifiers: Orphanet 994, MedGen C1276035, MONDO:0100101, OMIM 208150, HP:0001989.
Congenital myasthenic syndrome 9. Also called: Myasthenic syndrome, congenital, 9, associated with acetylcholine receptor deficiency. Identifiers: Orphanet 590, MedGen C4225368, MONDO:0014587, OMIM 616325.

Allele frequency attached by ClinVar (database versions not stated): TOPMed below 0.00001; gnomAD 0.00001.
gnomAD v4.1: 2 of 1,613,886 alleles (0.00012%); highest among the groups gnomAD compares: African/African-American, 0.0027%; no homozygotes.

Submission:

Labcorp Genetics (formerly Invitae), Labcorp
Classification: Uncertain significance for Congenital myasthenic syndrome 9; Fetal akinesia deformation sequence 1. Last evaluated: 2022-10-25. Review status: criteria provided, single submitter. Criteria: Invitae Variant Classification Sherloc (09022015). Collection method: clinical testing. Allele origin: germline.
Comment: In summary, the available evidence is currently insufficient to determine the role of this variant in disease. Therefore, it has been classified as a Variant of Uncertain Significance. Advanced modeling of protein sequence and biophysical properties (such as structural, functional, and spatial information, amino acid conservation, physicochemical variation, residue mobility, and thermodynamic stability) performed at Invitae indicates that this missense variant is expected to disrupt MUSK protein function. This variant has not been reported in the literature in individuals affected with MUSK-related conditions. This variant is present in population databases (no rsID available, gnomAD 0.01%). This sequence change replaces aspartic acid, which is acidic and polar, with glutamic acid, which is acidic and polar, at codon 784 of the MUSK protein (p.Asp784Glu).